The following is an entry in ClinVar:

ClinVar aggregate classification (germline): Uncertain significance (1 of 4 stars; one submission).

Conditions:
Breast-ovarian cancer, familial, susceptibility to, 4. Identifiers: Orphanet 145, MedGen C3280345, MONDO:0013669, OMIM 614291.

Submission:

Labcorp Genetics (formerly Invitae), Labcorp
Classification: Uncertain significance for Breast-ovarian cancer, familial, susceptibility to, 4. Last evaluated: 2025-04-09. Review status: criteria provided, single submitter. Criteria: Invitae Variant Classification Sherloc (09022015). Collection method: clinical testing. Allele origin: germline.
Comment: This sequence change replaces isoleucine, which is neutral and non-polar, with leucine, which is neutral and non-polar, at codon 17 of the RAD51D protein (p.Ile17Leu). This variant is not present in population databases (gnomAD no frequency). This variant has not been reported in the literature in individuals affected with RAD51D-related conditions. An algorithm developed to predict the effect of missense changes on protein structure and function (PolyPhen-2) suggests that this variant is likely to be tolerated. In summary, the available evidence is currently insufficient to determine the role of this variant in disease. Therefore, it has been classified as a Variant of Uncertain Significance.

NM_002878.4(RAD51D):c.49A>C (p.Ile17Leu)

Genes: RAD51L3-RFFL (RAD51L3-RFFL readthrough; minus strand), RAD51D (RAD51 paralog D; minus strand). Cytogenetic location: 17q12.
Variant type: single nucleotide variant.
Coding change: c.49A>C on transcript NM_002878.4 (MANE Select); coding-DNA position 49, A replaced by C.
Protein change: p.Ile17Leu; replaces isoleucine 17 with leucine.
Molecular consequence: missense variant. On other transcripts: non-coding transcript variant (2).
Genome position (GRCh38, 1-based): chr17:35,119,565, T>G on the plus strand (A>C on the coding strand, the complement: RAD51D is on the minus strand). VCF-style: chr17-35119565-T-G. GRCh37 (hg19) VCF-style: chr17-33446584-T-G.
Other names: c.49A>C, p.Ile17Leu (NM_001142571.2, NM_133629.3); short protein forms I17L.
Identifiers: ClinVar variation 4716933 (VCV004716933.1).
Genomic context (GRCh38, chr17:35,119,565, plus strand): 5'-CTCCCTGGCACGCGCACACCCGGTCACCTGTCTTGATCCTGTGGCTCCTGAGAAGCTGGA[T>G]CATCTCCTCGGTAAGGCCAGGGCACAGTCCGACCCTGAGCACGCCCATGTTCCCCGCAGG-3'
Protein context (NP_002869.3, residues 7-27): GLCPGLTEEM[Ile17Leu]QLLRSHRIKT